The following is an entry in ClinVar:

NM_001080517.3(SETD5):c.3174G>C (p.Gln1058His)

Gene: SETD5 (SET domain containing 5; plus strand). Cytogenetic location: 3p25.3.
Variant type: single nucleotide variant.
Coding change: c.3174G>C on transcript NM_001080517.3 (MANE Select); coding-DNA position 3174, G replaced by C.
Protein change: p.Gln1058His; replaces glutamine 1058 with histidine.
Molecular consequence: missense variant.
Genome position (GRCh38, 1-based): chr3:9,470,908, G>C. VCF-style: chr3-9470908-G-C. GRCh37 (hg19) VCF-style: chr3-9512592-G-C.
Other names: c.2880G>C, p.Gln960His (NM_001292043.2, NM_001349451.2); short protein forms Q1058H, Q960H.
Identifiers: ClinVar variation 1343867 (VCV001343867.7), dbSNP rs759285961, ClinGen allele CA2239611.
Genomic context (GRCh38, chr3:9,470,908, plus strand): 5'-TCGTGGATCCTTGTCACCTGGTGGTGAAAGGGCCTGTGAAGGAGTCCCATCTGCCCCCCA[G>C]AACCCACCACAGAGGAAAAAAGTAAGTGTTTCATGTTATATCGGCGAACTTTTCAAGAAT-3'
Protein context (NP_001073986.1, residues 1048-1068): RACEGVPSAP[Gln1058His]NPPQRKKVSL

ClinVar aggregate classification (germline): Conflicting classifications of pathogenicity. Review status: criteria provided, conflicting classifications (1 of 4 stars). 3 submissions from 3 submitters: Uncertain significance (2); Likely benign (1). Last evaluated 2026-01-25.

Conditions:
Inborn genetic diseases. Identifiers: MedGen C0950123, MeSH D030342.

Allele frequency attached by ClinVar (database versions not stated): gnomAD 0.00001.
gnomAD v4.1: 6 of 1,594,750 alleles (0.00038%); highest among the groups gnomAD compares: Admixed American, 0.01%; no homozygotes.

Submissions (3):

Labcorp Genetics (formerly Invitae), Labcorp
Classification: Uncertain significance. Last evaluated: 2026-01-25. Review status: criteria provided, single submitter. Criteria: Invitae Variant Classification Sherloc (09022015). Collection method: clinical testing. Allele origin: germline.
Comment: This sequence change replaces glutamine, which is neutral and polar, with histidine, which is basic and polar, at codon 1058 of the SETD5 protein (p.Gln1058His). This variant is present in population databases (rs759285961, gnomAD 0.01%). This variant has not been reported in the literature in individuals affected with SETD5-related conditions. ClinVar contains an entry for this variant (Variation ID: 1343867). Invitae Evidence Modeling of protein sequence and biophysical properties (such as structural, functional, and spatial information, amino acid conservation, physicochemical variation, residue mobility, and thermodynamic stability) indicates that this missense variant is not expected to disrupt SETD5 protein function with a negative predictive value of 80%. In summary, the available evidence is currently insufficient to determine the role of this variant in disease. Therefore, it has been classified as a Variant of Uncertain Significance.

Ambry Genetics
Classification: Likely benign for Inborn genetic diseases. Last evaluated: 2025-07-10. Review status: criteria provided, single submitter. Criteria: Ambry Variant Classification Scheme 2023. Collection method: clinical testing. Allele origin: germline.

GeneDx
Classification: Uncertain significance. Last evaluated: 2022-02-10. Review status: criteria provided, single submitter. Criteria: GeneDx Variant Classification Process June 2021. Collection method: clinical testing. Allele origin: germline. Affected: yes.
Comment: In silico analysis supports that this missense variant has a deleterious effect on protein structure/function; Has not been previously published as pathogenic or benign to our knowledge